The following is an entry in ClinVar:

ClinVar aggregate classification (germline): Pathogenic/Likely pathogenic. Review status: criteria provided, multiple submitters, no conflicts (2 of 4 stars). 4 submissions from 4 submitters: Pathogenic (3); Likely pathogenic (1). Last evaluated 2024-05-08.

Conditions:
Wilson disease (WND). Also called: Wilson's disease. Identifiers: Orphanet 905, MedGen C0019202, MONDO:0010200, OMIM 277900. Disease mechanism: loss of function.

Submissions (4):

Fulgent Genetics
Classification: Likely pathogenic for Wilson disease. Last evaluated: 2024-05-08. Review status: criteria provided, single submitter. Criteria: ACMG Guidelines, 2015. Collection method: clinical testing. Allele origin: germline.

Myriad Genetics, Inc.
Classification: Pathogenic for Wilson disease. Last evaluated: 2024-05-08. Review status: criteria provided, single submitter. Criteria: Myriad Autosomal Dominant, Autosomal Recessive and X-Linked Classification Criteria (2023). Collection method: clinical testing. Allele origin: unknown.
Comment: NM_000053.3(ATP7B):c.2510dupG(F839Vfs*15) is expected to be pathogenic in the context of Wilson disease. This variant is predicted to lead to an abnormal or absent protein product due to the creation of a premature termination codon in ATP7B, a gene where loss-of-function variants are known to be pathogenic. Please note: this variant was assessed in the context of healthy population screening.

Labcorp Genetics (formerly Invitae), Labcorp
Classification: Pathogenic for Wilson disease. Last evaluated: 2022-02-06. Review status: criteria provided, single submitter. Criteria: Invitae Variant Classification Sherloc (09022015). Collection method: clinical testing. Allele origin: germline.
Comment: For these reasons, this variant has been classified as Pathogenic. ClinVar contains an entry for this variant (Variation ID: 662996). This variant has not been reported in the literature in individuals affected with ATP7B-related conditions. This variant is not present in population databases (gnomAD no frequency). This sequence change creates a premature translational stop signal (p.Phe839Valfs*15) in the ATP7B gene. It is expected to result in an absent or disrupted protein product. Loss-of-function variants in ATP7B are known to be pathogenic (PMID: 10441329, 16283883).

Genome-Nilou Lab
Classification: Pathogenic for Wilson disease. Last evaluated: 2021-08-10. Review status: criteria provided, single submitter. Criteria: ACMG Guidelines, 2015. Collection method: clinical testing. Allele origin: germline. Affected: no.

Literature cited by the submitters: PubMed 10441329 (cited by Labcorp Genetics (formerly Invitae), Labcorp); PubMed 16283883 (cited by Labcorp Genetics (formerly Invitae), Labcorp).

NM_000053.4(ATP7B):c.2510dup (p.Phe839fs)

Gene: ATP7B (ATPase copper transporting beta; minus strand). Cytogenetic location: 13q14.3.
Variant type: Duplication.
Coding change: c.2510dup on transcript NM_000053.4 (MANE Select); coding-DNA position 2510, one base duplicated (G; older notation c.2510dupG).
Protein change: p.Phe839fs; shifts the reading frame from phenylalanine 839.
Molecular consequence: frameshift variant.
Genome position (GRCh38, 1-based): chr13:51,950,337, C duplicated on the plus strand (G on the coding strand, the reverse complement: ATP7B is on the minus strand); the first of 5 consecutive C bases (chr13:51,950,337-51,950,341); duplicating any one gives the same sequence. VCF-style (leftmost placement, unchanged base first): chr13-51950336-T-TC. GRCh37 (hg19) VCF-style: chr13-52524472-T-TC.
Other names: c.2024dup, p.Phe677fs (NM_001005918.3); c.2177dup, p.Phe728fs (NM_001243182.2); c.2276dup, p.Phe761fs (NM_001330578.2); c.2258dup, p.Phe755fs (NM_001330579.2); short protein forms F755fs, F761fs, F728fs, F839fs, F677fs.
Identifiers: ClinVar variation 662996 (VCV000662996.10), dbSNP rs964976261, ClinGen allele CA250058564.